The following is an entry in ClinVar:

ClinVar aggregate classification (germline): Uncertain significance (1 of 4 stars; one submission).

Conditions:
Inborn genetic diseases. Identifiers: MedGen C0950123, MeSH D030342.

Submission:

Ambry Genetics
Classification: Uncertain significance for Inborn genetic diseases. Last evaluated: 2026-08-08. Review status: criteria provided, single submitter. Criteria: Ambry Variant Classification Scheme 2023. Collection method: clinical testing. Allele origin: germline.
Comment: The p.I187T variant (also known as c.560T>C), located in coding exon 5 of the PAX5 gene, results from a T to C substitution at nucleotide position 560. The isoleucine at codon 187 is replaced by threonine, an amino acid with similar properties. This amino acid position is conserved. In addition, this alteration is predicted to be deleterious by in silico analysis. Based on the available evidence, the clinical significance of this variant remains unclear.

NM_016734.3(PAX5):c.560T>C (p.Ile187Thr)

Genes: PAX5 (paired box 5; minus strand), LOC105376032 (uncharacterized LOC105376032; plus strand). Cytogenetic location: 9p13.2.
Variant type: single nucleotide variant.
Coding change: c.560T>C on transcript NM_016734.3 (MANE Select); coding-DNA position 560, T replaced by C.
Protein change: p.Ile187Thr; replaces isoleucine 187 with threonine.
Molecular consequence: missense variant. On other transcripts: non-coding transcript variant (2), intron variant (2).
Genome position (GRCh38, 1-based): chr9:37,002,692, A>G on the plus strand (T>C on the coding strand, the complement: PAX5 is on the minus strand). VCF-style: chr9-37002692-A-G. GRCh37 (hg19) VCF-style: chr9-37002689-A-G.
Other names: c.560T>C, p.Ile187Thr (NM_001280547.2, NM_001280548.2, NM_001280549.2 and 2 more transcripts); c.236T>C, p.Ile79Thr (NM_001280551.2, NM_001280556.2); c.362T>C, p.Ile121Thr (NM_001280555.2); c.475+3781T>C (NM_001280553.2, NM_001280554.2); short protein forms I79T, I187T, I121T.
Identifiers: ClinVar variation 5026311 (VCV005026311.1).